The following is an entry in ClinVar:

NM_206937.2(LIG4):c.2592_2595del (p.Ile864fs)

Gene: LIG4 (DNA ligase 4; minus strand). Cytogenetic location: 13q33.3.
Variant type: Deletion.
Coding change: c.2592_2595del on transcript NM_206937.2 (MANE Select); coding-DNA positions 2592 to 2595, 4 bases deleted (AATT; older notation c.2592_2595delAATT).
Protein change: p.Ile864fs; shifts the reading frame from isoleucine 864.
Molecular consequence: frameshift variant.
Genome position (GRCh38, 1-based): chr13:108,208,674-108,208,677, AATT deleted on the plus strand (AATT on the coding strand, the reverse complement: LIG4 is on the minus strand); deleting any 4 consecutive bases within chr13:108,208,674-108,208,678 gives the same sequence; the c. name uses the placement nearest the transcript's 3' end. VCF-style (leftmost placement, unchanged base first): chr13-108208673-CAATT-C. GRCh37 (hg19) VCF-style: chr13-108861021-CAATT-C.
Other names: c.2592_2595del, p.Ile864fs (NM_001098268.2, NM_001352598.2, NM_001352599.2 and 6 more transcripts); c.2391_2394del, p.Ile797fs (NM_001330595.2); c.2628_2631del, p.Ile876fs (NM_001352604.2); c.2592_2595delAATT (NM_002312.3); short protein forms I864fs, I797fs, I876fs.
Identifiers: ClinVar variation 452857 (VCV000452857.13), dbSNP rs765317127, ClinGen allele CA7043465.

ClinVar aggregate classification (germline): Conflicting classifications of pathogenicity. Review status: criteria provided, conflicting classifications (1 of 4 stars). 4 submissions from 4 submitters: Pathogenic (2); Uncertain significance (1). 1 of the submissions does not count toward it. Last evaluated 2025-12-10.

Conditions:
LIG4-related disorder. Also called: LIG4-related condition; LIG4-related disorders. Identifiers: MedGen CN239380.
Severe combined immunodeficiency disease. Also called: Severe combined immunodeficiency; Severe Combined Immune Deficiency. Identifiers: Orphanet 183660, MedGen C0085110, MeSH D016511, MONDO:0015974, HP:0004430. Inheritance: X-Linked or Autosomal recessive.
DNA ligase IV deficiency. Identifiers: Orphanet 99812, MedGen C1847827, MONDO:0011686, OMIM 606593.

Submissions (4):

Labcorp Genetics (formerly Invitae), Labcorp
Classification: Pathogenic for DNA ligase IV deficiency. Last evaluated: 2025-12-10. Review status: criteria provided, single submitter. Criteria: Invitae Variant Classification Sherloc (09022015). Collection method: clinical testing. Allele origin: germline.
Comment: This sequence change creates a premature translational stop signal (p.Ile864Metfs*25) in the LIG4 gene. While this is not anticipated to result in nonsense mediated decay, it is expected to disrupt the last 48 amino acid(s) of the LIG4 protein. This variant is present in population databases (rs765317127, gnomAD 0.004%). This variant has not been reported in the literature in individuals affected with LIG4-related conditions. ClinVar contains an entry for this variant (Variation ID: 452857). This variant disrupts a region of the LIG4 protein in which other variant(s) (p.Gln904*) have been determined to be pathogenic (PMID: 34630384). This suggests that this is a clinically significant region of the protein, and that variants that disrupt it are likely to be disease-causing. For these reasons, this variant has been classified as Pathogenic.

Women's Health and Genetics/Laboratory Corporation of America, LabCorp
Classification: Pathogenic for Severe combined immunodeficiency disease. Last evaluated: 2024-12-24. Review status: criteria provided, single submitter. Criteria: LabCorp Variant Classification Summary - May 2015. Collection method: clinical testing. Allele origin: germline.
Comment: Variant summary: LIG4 c.2592_2595delAATT (p.Ile864MetfsX25) results in a premature termination codon, predicted to cause a truncation of the encoded protein and predicted not involved in nonsense-mediated mRNA decay. The variant allele was found at a frequency of 2.8e-05 in 251370 control chromosomes (gnomAD). To our knowledge, no occurrence of c.2592_2595delAATT in individuals affected with Severe Combined Immunodeficiency and no experimental evidence demonstrating its impact on protein function have been reported. However, at least one nonsense variant has been found in one patient with LIG4 deficiency in HGMD (PMID: 34630384) and pathogenic variants downstream of this variant have been reported in ClinVar. ClinVar contains an entry for this variant (Variation ID: 452857). Based on the evidence outlined above, the variant was classified as pathogenic.

Blueprint Genetics
Classification: Uncertain significance. Last evaluated: 2024-08-21. Review status: criteria provided, single submitter. Criteria: ACMG Guidelines, 2015. Collection method: clinical testing. Allele origin: germline.

GeneDx
Classification: Uncertain significance. Last evaluated: 2017-10-11. Review status: flagged submission. Criteria: GeneDx Variant Classification (06012015). Collection method: clinical testing. Allele origin: germline. Affected: yes. Not counted in ClinVar's aggregate classification.
Comment: The c.2592_2595delAATT variant in the LIG4 gene has not been reported previously as a pathogenic variant nor as a benign variant, to our knowledge. This variant causes a frameshift starting with codon Isoleucine 864, changes this amino acid to a Methionine residue, and creates a premature Stop codon at position 25 of the new reading frame, denoted p.Ile864MetfsX25. This variant is predicted to cause loss of normal protein function through protein truncation. The c.2592_2595delAATT variant is observed in 5/111,658 alleles (0.0045%) from individuals of non-Finnish European ancestry in the gnomAD dataset (Lek et al., 2016). We interpret c.2592_2595delAATT as a variant of uncertain significance.
ClinVar note: Reason: Older claim that does not account for recent evidence

Literature cited by the submitters: PubMed 34630384 (cited by Labcorp Genetics (formerly Invitae), Labcorp).